The following is an entry in ClinVar:

ClinVar aggregate classification (germline): Uncertain significance. Review status: criteria provided, multiple submitters, no conflicts (2 of 4 stars). 3 submissions from 3 submitters: Uncertain significance (3). Last evaluated 2026-10-01.

Conditions:
COL4A3-related disorder. Also called: COL4A3-related condition; COL4A3-Related Disorders.

Allele frequency attached by ClinVar (database versions not stated): gnomAD 0.00004; ExAC 0.00006; gnomAD exomes 0.00004; TOPMed 0.00006.
gnomAD v4.1: 70 of 1,614,116 alleles (0.0043%); highest among the groups gnomAD compares: Non-Finnish European, 0.0052%; no homozygotes.

Submissions (3):

GeneDx
Classification: Uncertain significance. Last evaluated: 2026-10-01. Review status: criteria provided, single submitter. Criteria: GeneDx Variant Classification Process June 2021. Collection method: clinical testing. Allele origin: germline.
Comment: Identified in a patient with Alport syndrome in published literature (PMID: 28570636); this individual also harbored a COL4A5 variant which was found to segregate with affected status in this family; In silico analysis suggests that this missense variant does not alter protein structure/function; Occurs in the triple helical domain at the Y position in the canonical Gly-X-Y repeat; although this variant may have an effect on normal protein folding and function, missense substitution at the Y position is not a common mechanism of disease; This variant is associated with the following publications: (PMID: 11134255, 28570636)

PreventionGenetics, part of Exact Sciences
Classification: Uncertain significance for COL4A3-related condition. Last evaluated: 2025-02-18. Review status: criteria provided, single submitter. Criteria: ACMG Guidelines, 2015. Collection method: clinical testing. Allele origin: germline.
Comment: The COL4A3 c.3989T>C variant is predicted to result in the amino acid substitution p.Ile1330Thr. To our knowledge, this variant has not been reported in the literature. This variant is reported in 0.011% of alleles in individuals of European (Non-Finnish) descent in gnomAD. Although we suspect that this variant may be benign, at this time, the clinical significance of this variant is uncertain due to the absence of conclusive functional and genetic evidence.

Women's Health and Genetics/Laboratory Corporation of America, LabCorp
Classification: Uncertain significance. Last evaluated: 2023-12-11. Review status: criteria provided, single submitter. Criteria: LabCorp Variant Classification Summary - May 2015. Collection method: clinical testing. Allele origin: germline.
Comment: Variant summary: COL4A3 c.3989T>C (p.Ile1330Thr) results in a non-conservative amino acid change in the encoded protein sequence. Four of five in-silico tools predict a benign effect of the variant on protein function. The variant allele was found at a frequency of 6e-05 in 249416 control chromosomes. This frequency is not significantly higher than estimated for a pathogenic variant in COL4A3 causing Alport Syndrome, Autosomal Recessive (6e-05 vs 0.0014), allowing no conclusion about variant significance. c.3989T>C has been reported in the literature in individuals affected with Alport Syndrome, Autosomal Recessive without strong evidence of causality (Heidet_2001, Chiereghin_2018). These reports do not provide unequivocal conclusions about association of the variant with Alport Syndrome, Autosomal Recessive. To our knowledge, no experimental evidence demonstrating an impact on protein function has been reported. The following publications have been ascertained in the context of this evaluation (PMID: 11134255, 28570636). One submitter has cited a clinical-significance assessment for this variant to ClinVar after 2014 and has classified the variant as uncertain significance. Based on the evidence outlined above, the variant was classified as uncertain significance.

Literature cited by the submitters: PubMed 11134255 (cited by Women's Health and Genetics/Laboratory Corporation of America, LabCorp); PubMed 28570636 (cited by Women's Health and Genetics/Laboratory Corporation of America, LabCorp).

NM_000091.5(COL4A3):c.3989T>C (p.Ile1330Thr)

Genes: COL4A3 (collagen type IV alpha 3 chain; plus strand), MFF-DT (MFF divergent transcript; minus strand). Cytogenetic location: 2q36.3.
Variant type: single nucleotide variant.
Coding change: c.3989T>C on transcript NM_000091.5 (MANE Select); coding-DNA position 3989, T replaced by C.
Protein change: p.Ile1330Thr; replaces isoleucine 1330 with threonine.
Molecular consequence: missense variant.
Genome position (GRCh38, 1-based): chr2:227,303,892, T>C. VCF-style: chr2-227303892-T-C. GRCh37 (hg19) VCF-style: chr2-228168608-T-C.
Other names: short protein forms I1330T.
Identifiers: ClinVar variation 2662402 (VCV002662402.5), dbSNP rs767033956, ClinGen allele CA2147417.